The following is an entry in ClinVar:

ClinVar aggregate classification (germline): Uncertain significance (1 of 4 stars; one submission).

Submission:

GeneDx
Classification: Uncertain significance. Last evaluated: 2026-03-27. Review status: criteria provided, single submitter. Criteria: GeneDx Variant Classification Process June 2021. Collection method: clinical testing. Allele origin: germline.
Comment: Not observed at significant frequency in large population cohorts (gnomAD); In silico analysis suggests that this missense variant does not alter protein structure/function; Has not been previously published as pathogenic or benign to our knowledge

NM_000094.4(COL7A1):c.6590C>G (p.Ala2197Gly)

Gene: COL7A1 (collagen type VII alpha 1 chain; minus strand). Cytogenetic location: 3p21.31.
Variant type: single nucleotide variant.
Coding change: c.6590C>G on transcript NM_000094.4 (MANE Select); coding-DNA position 6590, C replaced by G.
Protein change: p.Ala2197Gly; replaces alanine 2197 with glycine.
Molecular consequence: missense variant.
Genome position (GRCh38, 1-based): chr3:48,573,541, G>C on the plus strand (C>G on the coding strand, the complement: COL7A1 is on the minus strand). VCF-style: chr3-48573541-G-C. GRCh37 (hg19) VCF-style: chr3-48610974-G-C.
Other names: short protein forms A2197G.
Identifiers: ClinVar variation 5017180 (VCV005017180.1).
Genomic context (GRCh38, chr3:48,573,541, plus strand): 5'-CCTCCTCCTCCTATCCACACACCTAGACTCACCTTCAGGCCAGAAGGTCCTTGGGGTCCT[G>C]CAGGGCCAGCAAGACCCTAGAGAAAAGGGTCAAGGGCAGGGAACAGGGCTCAGGGATTAA-3'
Protein context (NP_000085.1, residues 2187-2207): PPGAPGLAGP[Ala2197Gly]GPQGPSGLKG